The following is an entry in ClinVar:

ClinVar aggregate classification (germline): Benign (1 of 4 stars; one submission).

Allele frequency attached by ClinVar (database versions not stated): gnomAD 0.38335 and 0.39231; TOPMed 0.38587; gnomAD exomes 0.38730; 1000 Genomes Project 30x 0.46034; 1000 Genomes Project 0.46486.
gnomAD v4.1: 583,519 of 1,502,376 alleles (39%); highest among the groups gnomAD compares: East Asian, 77%; 118,414 homozygotes.

Submission:

GeneDx
Classification: Benign. Last evaluated: 2018-06-14. Review status: criteria provided, single submitter. Criteria: GeneDx Variant Classification (06012015). Collection method: clinical testing. Allele origin: germline. Affected: yes.
Comment: This variant is considered likely benign or benign based on one or more of the following criteria: it is a conservative change, it occurs at a poorly conserved position in the protein, it is predicted to be benign by multiple in silico algorithms, and/or has population frequency not consistent with disease.

NM_182961.4(SYNE1):c.7030-71A>G

Gene: SYNE1 (spectrin repeat containing nuclear envelope protein 1; minus strand). Cytogenetic location: 6q25.2.
Variant type: single nucleotide variant.
Coding change: c.7030-71A>G on transcript NM_182961.4 (MANE Select); 71 bases into the intron before coding-DNA position 7030, A replaced by G.
Molecular consequence: intron variant.
Genome position (GRCh38, 1-based): chr6:152,399,894, T>C on the plus strand (A>G on the coding strand, the complement: SYNE1 is on the minus strand). VCF-style: chr6-152399894-T-C. GRCh37 (hg19) VCF-style: chr6-152721029-T-C.
Other names: c.7051-71A>G (NM_033071.5).
Identifiers: ClinVar variation 670648 (VCV000670648.1), dbSNP rs214951, ClinGen allele CA12338502.